The following is an entry in ClinVar:

ClinVar aggregate classification (germline): Benign/Likely benign. Review status: criteria provided, multiple submitters, no conflicts (2 of 4 stars). 2 submissions from 2 submitters: Benign (1); Likely benign (1). Last evaluated 2025-01-09.

Conditions:
Familial cancer of breast. Also called: hereditary breast carcinoma; BREAST CANCER, FAMILIAL; Hereditary breast cancer. Identifiers: Orphanet 227535, MedGen C0346153, MONDO:0016419, OMIM 114480. Disease mechanism: loss of function.

Submissions (2):

Myriad Genetics, Inc.
Classification: Benign for Familial cancer of breast. Last evaluated: 2025-01-09. Review status: criteria provided, single submitter. Criteria: Myriad Autosomal Dominant, Autosomal Recessive and X-Linked Classification Criteria (2023). Collection method: clinical testing. Allele origin: unknown.
Comment: This variant is considered benign. This variant is a silent/synonymous amino acid change and it is not expected to impact splicing.

Labcorp Genetics (formerly Invitae), Labcorp
Classification: Likely benign for Familial cancer of breast. Last evaluated: 2021-03-16. Review status: criteria provided, single submitter. Criteria: Invitae Variant Classification Sherloc (09022015). Collection method: clinical testing. Allele origin: germline.

NM_024675.4(PALB2):c.123T>A (p.Ala41=)

Gene: PALB2 (partner and localizer of BRCA2; minus strand). Cytogenetic location: 16p12.2.
Variant type: single nucleotide variant.
Coding change: c.123T>A on transcript NM_024675.4 (MANE Select); coding-DNA position 123, T replaced by A.
Protein change: p.Ala41=; no amino-acid change (alanine 41 retained).
Molecular consequence: synonymous variant.
Genome position (GRCh38, 1-based): chr16:23,637,938, A>T on the plus strand (T>A on the coding strand, the complement: PALB2 is on the minus strand). VCF-style: chr16-23637938-A-T. GRCh37 (hg19) VCF-style: chr16-23649259-A-T.
Identifiers: ClinVar variation 1540614 (VCV001540614.10), dbSNP rs1967104067, ClinGen allele CA494167776.